The following is an entry in ClinVar:

NM_021625.5(TRPV4):c.548A>T (p.Glu183Val)

Gene: TRPV4 (transient receptor potential cation channel subfamily V member 4; minus strand). Cytogenetic location: 12q24.11.
Variant type: single nucleotide variant.
Coding change: c.548A>T on transcript NM_021625.5 (MANE Select); coding-DNA position 548, A replaced by T.
Protein change: p.Glu183Val; replaces glutamic acid 183 with valine.
Molecular consequence: missense variant.
Genome position (GRCh38, 1-based): chr12:109,808,307, T>A on the plus strand (A>T on the coding strand, the complement: TRPV4 is on the minus strand). VCF-style: chr12-109808307-T-A. GRCh37 (hg19) VCF-style: chr12-110246112-T-A.
Other names: c.548A>T, p.Glu183Val (NM_001177428.2, NM_001177433.2, NM_147204.3); c.446A>T, p.Glu149Val (NM_001177431.2); short protein forms E149V, E183V.
Identifiers: ClinVar variation 1501338 (VCV001501338.8), dbSNP rs2136607376, ClinGen allele CA386656900.
Genomic context (GRCh38, chr12:109,808,307, plus strand): 5'-CCCCACACCCCTGGCTGTCCCACTGGCTATGCCCATCTGGGTGGCTCACCTCGAAACTCC[T>A]CATCAGTTAGGCGTTTCTTGTGGGTCAGCAAGAATGGGAGCAGCCCGTCCAGGTCAGCAG-3'
Protein context (NP_067638.3, residues 173-193): LLTHKKRLTD[Glu183Val]EFREPSTGKT

ClinVar aggregate classification (germline): Uncertain significance (1 of 4 stars; one submission).

Conditions:
Charcot-Marie-Tooth disease axonal type 2C (HMSN2C). Also called: CHARCOT-MARIE-TOOTH DISEASE, AXONAL, AUTOSOMAL DOMINANT, TYPE 2C; Charcot-Marie-Tooth Neuropathy Type 2C; Charcot-Marie-Tooth Disease Type 2, TRPV4-Related (CMT2C). Identifiers: Orphanet 99937, MedGen C1853710, MONDO:0011633, OMIM 606071.

Submission:

Labcorp Genetics (formerly Invitae), Labcorp
Classification: Uncertain significance for Charcot-Marie-Tooth disease axonal type 2C. Last evaluated: 2021-06-25. Review status: criteria provided, single submitter. Criteria: Invitae Variant Classification Sherloc (09022015). Collection method: clinical testing. Allele origin: germline.
Comment: In summary, the available evidence is currently insufficient to determine the role of this variant in disease. Therefore, it has been classified as a Variant of Uncertain Significance. This sequence change replaces glutamic acid with valine at codon 183 of the TRPV4 protein (p.Glu183Val). The glutamic acid residue is moderately conserved and there is a moderate physicochemical difference between glutamic acid and valine. This variant is not present in population databases (ExAC no frequency). This variant has not been reported in the literature in individuals affected with TRPV4-related conditions. Advanced modeling of protein sequence and biophysical properties (such as structural, functional, and spatial information, amino acid conservation, physicochemical variation, residue mobility, and thermodynamic stability) performed at Invitae indicates that this missense variant is not expected to disrupt TRPV4 protein function. This variant disrupts the p.Glu183 amino acid residue in TRPV4. Other variant(s) that disrupt this residue have been observed in individuals with TRPV4-related conditions (PMID: 20503319, 25802885), which suggests that this may be a clinically significant amino acid residue.

Literature cited by the submitters: PubMed 20503319; PubMed 25802885.